The following is an entry in ClinVar:

ClinVar aggregate classification (germline): Likely benign (1 of 4 stars; one submission).

Allele frequency attached by ClinVar (database versions not stated): gnomAD 0.01028 and 0.01097; 1000 Genomes Project 0.01198; 1000 Genomes Project 30x 0.01202; TOPMed 0.01238.
gnomAD v4.1: 1,552 of 152,320 alleles (1%); highest among the groups gnomAD compares: African/African-American, 3.4%; 33 homozygotes.

Submission:

GeneDx
Classification: Likely benign. Last evaluated: 2018-06-14. Review status: criteria provided, single submitter. Criteria: GeneDx Variant Classification (06012015). Collection method: clinical testing. Allele origin: germline. Affected: yes.
Comment: This variant is considered likely benign or benign based on one or more of the following criteria: it is a conservative change, it occurs at a poorly conserved position in the protein, it is predicted to be benign by multiple in silico algorithms, and/or has population frequency not consistent with disease.

NM_002474.3(MYH11):c.5504+268C>G

Genes: MYH11 (myosin heavy chain 11; minus strand), NDE1 (nudE neurodevelopment protein 1; plus strand). Cytogenetic location: 16p13.11.
Variant type: single nucleotide variant.
Coding change: c.5504+268C>G on transcript NM_002474.3 (MANE Select); 268 bases into the intron after coding-DNA position 5504, C replaced by G.
Molecular consequence: intron variant.
Genome position (GRCh38, 1-based): chr16:15,716,872, G>C on the plus strand (C>G on the coding strand, the complement: MYH11 is on the minus strand). VCF-style: chr16-15716872-G-C. GRCh37 (hg19) VCF-style: chr16-15810729-G-C.
Other names: c.948-7319G>C (NM_001143979.2, NM_017668.3); c.5504+268C>G (NM_022844.3); c.5525+268C>G (NM_001040114.2, NM_001040113.2).
Identifiers: ClinVar variation 680738 (VCV000680738.1), dbSNP rs113546360, ClinGen allele CA278594719.